The following is an entry in ClinVar:

NM_001367624.2(ZNF469):c.3491del (p.Gly1164fs)

Gene: ZNF469 (zinc finger protein 469; plus strand). Cytogenetic location: 16q24.2.
Variant type: Deletion.
Coding change: c.3491del on transcript NM_001367624.2 (MANE Select); coding-DNA position 3491, one base deleted (G; older notation c.3491delG).
Protein change: p.Gly1164fs; shifts the reading frame from glycine 1164.
Molecular consequence: frameshift variant.
Genome position (GRCh38, 1-based): chr16:88,430,961, G deleted; the last of 3 consecutive G bases (chr16:88,430,959-88,430,961); deleting any one gives the same sequence. VCF-style (leftmost placement, unchanged base first): chr16-88430958-CG-C. GRCh37 (hg19) VCF-style: chr16-88497366-CG-C.
Other names: NM_001127464.2:c.3407delG; short protein forms G1164fs.
Identifiers: ClinVar variation 3377486 (VCV003377486.1).
Genomic context (GRCh38, chr16:88,430,958, plus strand): 5'-GGCAGGAAGCCGGCGGGGACGGAGCCCCCGCGAACCCCGAGGAGCCGGGCGGGTCTCGCC[CG>C]GGCCCCGGCAGGAGCCCTCAGGCCCGTGGCCCGTCTCGAAGCCTGGAGACGGGAGCGGCC-3'

ClinVar aggregate classification (germline): Pathogenic (1 of 4 stars; one submission).

Conditions:
Brittle cornea syndrome 1 (BCS1). Also called: CORNEAL FRAGILITY, KERATOGLOBUS, BLUE SCLERAE, JOINT HYPEREXTENSIBILITY; EDS6B; FRAGILITAS OCULI WITH JOINT HYPEREXTENSIBILITY; Corneal fragility keratoglobus, blue sclerae AND joint hypermobility; DYSGENESIS MESODERMALIS CORNEAE ET SCLERAE. Identifiers: Orphanet 90354, MedGen C0268344, MONDO:0024543, OMIM 229200.

Submission:

Victorian Clinical Genetics Services, Murdoch Childrens Research Institute
Classification: Pathogenic for Brittle cornea syndrome 1. Last evaluated: 2021-05-06. Review status: criteria provided, single submitter. Criteria: ACMG Guidelines, 2015. Collection method: clinical testing. Allele origin: germline. Inheritance: Autosomal recessive inheritance. Affected: yes.
Comment: Based on the classification scheme VCGS_Germline_v1.3.4, this variant is classified as Pathogenic. Following criteria are met: 0102 - Loss of function is a known mechanism of disease in this gene and is associated with Brittle cornea syndrome 1 (MIM#229200). (I) 0108 - This gene is associated with both recessive and dominant disease. This gene is associated with recessive Brittle cornea syndrome 1 (MIM#229200). Additionally, it is also reported in patients with dominant keratoconus with reduced penetrance (PMID: 25097247). (I) 0204 - Variant is predicted to result in a truncated protein (premature termination codon is NOT located at least 54 nucleotides upstream of the final exon-exon junction) with at least 1/3 of the protein sequence affected. (SP) 0251 - This variant is heterozygous. (I) 0301 - Variant is absent from gnomAD (both v2 and v3). (SP) 0701 - Many other truncation variants comparable to the one identified in this case have very strong previous evidence for pathogenicity (ClinVar, Decipher). (SP) 0807 - This variant has no previous evidence of pathogenicity. (I) 0905 - No published segregation evidence has been identified for this variant. (I) 1007 - No published functional evidence has been identified for this variant. (I) 1208 - Inheritance information for this variant is not currently available in this individual. (I) Legend: (SP) - Supporting pathogenic, (I) - Information, (SB) - Supporting benign

Literature cited by the submitters: PubMed 25097247.